The following is an entry in ClinVar:

ClinVar aggregate classification (germline): Uncertain significance (1 of 4 stars; one submission).

Conditions:
Primary lymphedema. Identifiers: Orphanet 77240, MedGen C5576443, MONDO:0019175.

gnomAD v4.1: 3 of 1,612,340 alleles (0.00019%); highest among the groups gnomAD compares: Admixed American, 0.005%; no homozygotes.

Submission:

Clinical Genomics Laboratory, Washington University in St. Louis
Classification: Uncertain significance for Primary lymphedema. Last evaluated: 2025-12-23. Review status: criteria provided, single submitter. Criteria: ACMG Guidelines, 2015. Collection method: clinical testing. Allele origin: germline.
Comment: An HGF c.1513A>G (p.Ile505Val) variant was identified at a near heterozygous allelic fraction of 46.9%, a frequency which may be consistent with it being of germline origin. This variant, to our knowledge, has not been reported in the medical literature. It is only observed on 3/1,612,340 alleles in the general population (gnomAD v4.1.0), indicating it is not a common variant. Computational predictors suggest that the variant does not impact HGF function. Due to limited information, and based on ACMG/AMP guidelines for variant interpretation (Richards S et al., PMID: 25741868), the clinical significance of this variant is uncertain at this time.

NM_000601.6(HGF):c.1513A>G (p.Ile505Val)

Gene: HGF (hepatocyte growth factor; minus strand). Cytogenetic location: 7q21.11.
Variant type: single nucleotide variant.
Coding change: c.1513A>G on transcript NM_000601.6 (MANE Select); coding-DNA position 1513, A replaced by G.
Protein change: p.Ile505Val; replaces isoleucine 505 with valine.
Molecular consequence: missense variant.
Genome position (GRCh38, 1-based): chr7:81,710,175, T>C on the plus strand (A>G on the coding strand, the complement: HGF is on the minus strand). VCF-style: chr7-81710175-T-C. GRCh37 (hg19) VCF-style: chr7-81339491-T-C.
Other names: c.1498A>G, p.Ile500Val (NM_001010932.3); short protein forms I500V, I505V.
Identifiers: ClinVar variation 4974603 (VCV004974603.1).